The following is an entry in ClinVar:

NM_001110556.2(FLNA):c.4936A>G (p.Thr1646Ala)

Gene: FLNA (filamin A; minus strand). Cytogenetic location: Xq28.
Variant type: single nucleotide variant.
Coding change: c.4936A>G on transcript NM_001110556.2 (MANE Select); coding-DNA position 4936, A replaced by G.
Protein change: p.Thr1646Ala; replaces threonine 1646 with alanine.
Molecular consequence: missense variant.
Genome position (GRCh38, 1-based): chrX:154,357,443, T>C on the plus strand (A>G on the coding strand, the complement: FLNA is on the minus strand). VCF-style: chrX-154357443-T-C. GRCh37 (hg19) VCF-style: chrX-153585811-T-C.
Other names: c.4936A>G, p.Thr1646Ala (NM_001456.4); short protein forms T1646A.
Identifiers: ClinVar variation 2572217 (VCV002572217.5), dbSNP rs2067671499, ClinGen allele CA415213033.
Genomic context (GRCh38, chrX:154,357,443, plus strand): 5'-AACCCAAGCCCCGTGCCGAGCGCCGCAGCGGCCAACAGCGGGCGGGCTCACCTGTGACAG[T>C]GCACTTGCTGGCGTCCCCGGTGGGCACGGCACGCACGCGGTACGGGGAGAAGGGGATCTC-3'
Protein context (NP_001104026.1, residues 1636-1656): AVPTGDASKC[Thr1646Ala]VTVSIGGHGL

ClinVar aggregate classification (germline): Uncertain significance. Review status: criteria provided, multiple submitters, no conflicts (2 of 4 stars). 3 submissions from 3 submitters: Uncertain significance (3). Last evaluated 2024-09-08.

Conditions:
Oto-palato-digital syndrome, type II (OPD2). Also called: FACIOPALATOOSSEOUS SYNDROME; OPD II SYNDROME; Otopalatodigital Syndrome Type 2 (FLNA-OPD2); Otopalatodigital Syndrome, Type II. Identifiers: Orphanet 669, Orphanet 90652, MedGen C1844696, MONDO:0010571, OMIM 304120.
Heterotopia, periventricular, X-linked dominant (PVNH1). Also called: PERIVENTRICULAR NODULAR HETEROTOPIA 1; X-linked periventricular heterotopia; PERIVENTRICULAR NODULAR HETEROTOPIA 4; HETEROTOPIA, PERIVENTRICULAR, 1. Identifiers: Orphanet 2149, Orphanet 82004, MedGen C1848213, MONDO:0010233, OMIM 300049.
Melnick-Needles syndrome (MNS). Also called: MELNICK-NEEDLES OSTEODYSPLASTY; OSTEODYSPLASTY OF MELNICK AND NEEDLES; Melnick-Needles Syndrome (FLNA-MNS). Identifiers: Orphanet 2484, MedGen C0025237, MONDO:0010650, OMIM 309350.
Frontometaphyseal dysplasia (FMD1). Identifiers: Orphanet 1826, MedGen C0265293, MONDO:0015942.

Allele frequency attached by ClinVar (database versions not stated): gnomAD exomes below 0.00001; gnomAD 0.00002.
gnomAD v4.1: 3 of 1,207,518 alleles (0.00025%); highest among the groups gnomAD compares: Non-Finnish European, 0.00034%; no homozygotes.

Submissions (3):

GeneDx
Classification: Uncertain significance. Last evaluated: 2024-09-08. Review status: criteria provided, single submitter. Criteria: GeneDx Variant Classification Process June 2021. Collection method: clinical testing. Allele origin: germline. Affected: yes.
Comment: Not observed at significant frequency in large population cohorts (gnomAD); In silico analysis indicates that this missense variant does not alter protein structure/function; Has not been previously published as pathogenic or benign to our knowledge

Labcorp Genetics (formerly Invitae), Labcorp
Classification: Uncertain significance for Oto-palato-digital syndrome, type II; Heterotopia, periventricular, X-linked dominant; Frontometaphyseal dysplasia; Melnick-Needles syndrome. Last evaluated: 2024-02-22. Review status: criteria provided, single submitter. Criteria: Invitae Variant Classification Sherloc (09022015). Collection method: clinical testing. Allele origin: germline.
Comment: This sequence change replaces threonine, which is neutral and polar, with alanine, which is neutral and non-polar, at codon 1646 of the FLNA protein (p.Thr1646Ala). This variant is not present in population databases (gnomAD no frequency). This variant has not been reported in the literature in individuals affected with FLNA-related conditions. ClinVar contains an entry for this variant (Variation ID: 2572217). Advanced modeling of protein sequence and biophysical properties (such as structural, functional, and spatial information, amino acid conservation, physicochemical variation, residue mobility, and thermodynamic stability) performed at Invitae indicates that this missense variant is not expected to disrupt FLNA protein function with a negative predictive value of 95%. In summary, the available evidence is currently insufficient to determine the role of this variant in disease. Therefore, it has been classified as a Variant of Uncertain Significance.

Greenwood Genetic Center Diagnostic Laboratories, Greenwood Genetic Center
Classification: Uncertain significance. Last evaluated: 2023-05-15. Review status: criteria provided, single submitter. Criteria: ACMG Guidelines, 2015. Collection method: clinical testing. Allele origin: germline. Affected: yes.
Comment: PM2, PP2